The following is an entry in ClinVar:

NM_000138.5(FBN1):c.7238G>C (p.Cys2413Ser)

Gene: FBN1 (fibrillin 1; minus strand). Cytogenetic location: 15q21.1.
Variant type: single nucleotide variant.
Coding change: c.7238G>C on transcript NM_000138.5 (MANE Select); coding-DNA position 7238, G replaced by C.
Protein change: p.Cys2413Ser; replaces cysteine 2413 with serine.
Molecular consequence: missense variant.
Genome position (GRCh38, 1-based): chr15:48,425,831, C>G on the plus strand (G>C on the coding strand, the complement: FBN1 is on the minus strand). VCF-style: chr15-48425831-C-G. GRCh37 (hg19) VCF-style: chr15-48718028-C-G.
Other names: short protein forms C2413S.
Identifiers: ClinVar variation 566266 (VCV000566266.10), dbSNP rs1566892915, ClinGen allele CA392328781.

ClinVar aggregate classification (germline): Likely pathogenic. Review status: criteria provided, multiple submitters, no conflicts (2 of 4 stars). 2 submissions from 2 submitters: Likely pathogenic (2). Last evaluated 2026-04-10.

Conditions:
Familial thoracic aortic aneurysm and aortic dissection (TAAD). Also called: Thoracic aortic aneurysms and dissections. Identifiers: Orphanet 91387, MedGen C4707243, MONDO:0019625.
Marfan syndrome (MFS). Also called: FBN1-Related Marfan Syndrome; Marfan syndrome type 1; Marfan's syndrome; Marfan syndrome, classic; MARFAN SYNDROME, TYPE I. Identifiers: Orphanet 284963, Orphanet 558, MedGen C0024796, MONDO:0007947, OMIM 154700.
Marfan Syndrome/Loeys-Dietz Syndrome/Familial Thoracic Aortic Aneurysms and Dissections. Identifiers: MedGen CN229799.

Submissions (2):

Women's Health and Genetics/Laboratory Corporation of America, LabCorp
Classification: Likely pathogenic for Marfan Syndrome/Loeys-Dietz Syndrome/Familial Thoracic Aortic Aneurysms and Dissections. Last evaluated: 2026-04-10. Review status: criteria provided, single submitter. Criteria: LabCorp Variant Classification Summary - May 2015. Collection method: clinical testing. Allele origin: germline.
Comment: Variant summary: FBN1 c.7238G>C (p.Cys2413Ser) results in a non-conservative amino acid change located in the EGF like domain of the encoded protein sequence. Algorithms developed to predict the effect of missense changes on protein structure and function all suggest that this variant is likely to be disruptive. The variant was absent in 251196 control chromosomes. To our knowledge, no occurrence of c.7238G>C in individuals affected with FBN1-related conditions and no experimental evidence demonstrating its impact on protein function have been reported. ClinVar contains an entry for this variant (Variation ID: 566266). Missense mutations affecting cysteine residues are listed among the criteria for a causal FBN1 mutation when identified as de novo (with proven paternity) in the revised Ghent criteria for the diagnosis of Marfan and related conditions (Loeys 2010). Based on the evidence outlined above, the variant was classified as likely pathogenic until the de novo origin of this variant is unequivocally confirmed.

Labcorp Genetics (formerly Invitae), Labcorp
Classification: Likely pathogenic for Marfan syndrome; Familial thoracic aortic aneurysm and aortic dissection. Last evaluated: 2025-12-10. Review status: criteria provided, single submitter. Criteria: Invitae Variant Classification Sherloc (09022015). Collection method: clinical testing. Allele origin: germline.
Comment: This sequence change replaces cysteine, which is neutral and slightly polar, with serine, which is neutral and polar, at codon 2413 of the FBN1 protein (p.Cys2413Ser). This variant is not present in population databases (gnomAD no frequency). This variant has not been reported in the literature in individuals affected with FBN1-related conditions. ClinVar contains an entry for this variant (Variation ID: 566266). Invitae Evidence Modeling of protein sequence and biophysical properties (such as structural, functional, and spatial information, amino acid conservation, physicochemical variation, residue mobility, and thermodynamic stability) indicates that this missense variant is expected to disrupt FBN1 protein function with a positive predictive value of 95%. This variant affects a cysteine residue in the EGF-like, TGFBP or hybrid motif domains of FBN1. Cysteine residues are believed to be involved in intramolecular disulfide bridges and have been shown to be important for FBN1 protein structure (PMID: 16905551, 19349279). In addition, missense substitutions affecting cysteine residues within these domains are significantly overrepresented among patients with Marfan syndrome (PMID: 16571647, 17701892). In summary, the currently available evidence indicates that the variant is pathogenic, but additional data are needed to prove that conclusively. Therefore, this variant has been classified as Likely Pathogenic.

Literature cited by the submitters: PubMed 16905551 (cited by Labcorp Genetics (formerly Invitae), Labcorp); PubMed 19349279 (cited by Labcorp Genetics (formerly Invitae), Labcorp); PubMed 16571647 (cited by Labcorp Genetics (formerly Invitae), Labcorp); PubMed 17701892 (cited by Labcorp Genetics (formerly Invitae), Labcorp).